The following is an entry in ClinVar:

ClinVar aggregate classification (germline): Pathogenic (1 of 4 stars; one submission).

Conditions:
Baller-Gerold syndrome (BGS). Also called: CRANIOSYNOSTOSIS WITH RADIAL DEFECTS. Identifiers: Orphanet 1225, MedGen C0265308, MONDO:0009039, OMIM 218600.

Submission:

Labcorp Genetics (formerly Invitae), Labcorp
Classification: Pathogenic for Baller-Gerold syndrome. Last evaluated: 2023-02-13. Review status: criteria provided, single submitter. Criteria: Invitae Variant Classification Sherloc (09022015). Collection method: clinical testing. Allele origin: germline.
Comment: For these reasons, this variant has been classified as Pathogenic. This variant has not been reported in the literature in individuals affected with RECQL4-related conditions. This variant is not present in population databases (gnomAD no frequency). This sequence change creates a premature translational stop signal (p.His1014Thrfs*30) in the RECQL4 gene. It is expected to result in an absent or disrupted protein product. Loss-of-function variants in RECQL4 are known to be pathogenic (PMID: 12734318, 12952869).

Literature cited by the submitters: PubMed 12734318; PubMed 12952869.

NM_004260.4(RECQL4):c.3040del (p.His1014fs)

Gene: RECQL4 (RecQ like helicase 4; minus strand). Cytogenetic location: 8q24.3.
Variant type: Deletion.
Coding change: c.3040del on transcript NM_004260.4 (MANE Select); coding-DNA position 3040, one base deleted (C; older notation c.3040delC).
Protein change: p.His1014fs; shifts the reading frame from histidine 1014.
Molecular consequence: frameshift variant. On other transcripts: non-coding transcript variant (3).
Genome position (GRCh38, 1-based): chr8:144,512,407, G deleted on the plus strand (C on the coding strand, the reverse complement: RECQL4 is on the minus strand); the first of 2 consecutive G bases (chr8:144,512,407-144,512,408); deleting either gives the same sequence. VCF-style (leftmost placement, unchanged base first): chr8-144512406-TG-T. GRCh37 (hg19) VCF-style: chr8-145737789-TG-T.
Other names: c.2746del, p.His916fs (NM_001413017.1); c.2842del, p.His948fs (NM_001413018.1); c.3115del, p.His1039fs (NM_001413019.1); c.2944del, p.His982fs (NM_001413020.1); c.1969del, p.His657fs (NM_001413021.1, NM_001413022.1, NM_001413024.1 and 4 more transcripts); c.2044del, p.His682fs (NM_001413023.1); c.2911del, p.His971fs (NM_001413025.1); c.1903del, p.His635fs (NM_001413027.1, NM_001413030.1, NM_001413032.1); and 9 more; short protein forms H1039fs, H591fs, H647fs, H657fs, H660fs, H682fs, H897fs, H970fs.
Identifiers: ClinVar variation 2836791 (VCV002836791.3), dbSNP rs2537984222, ClinGen allele CA2739269073.